The following is an entry in ClinVar:

ClinVar aggregate classification (germline): Likely benign. Review status: criteria provided, single submitter (1 of 4 stars). 2 submissions from 2 submitters: Likely benign (1). 1 of the submissions does not count toward it. Last evaluated 2026-01-19.

Conditions:
MYH7B-related disorder. Also called: MYH7B-related condition.

Allele frequency attached by ClinVar (database versions not stated): 1000 Genomes Project 30x 0.00016; 1000 Genomes Project 0.00020; ESP Exome Variant Server 0.00032; gnomAD 0.00038 and 0.00039; TOPMed 0.00039; ExAC 0.00044; gnomAD exomes 0.00046.
gnomAD v4.1: 489 of 1,609,538 alleles (0.03%); highest among the groups gnomAD compares: Middle Eastern, 0.25%; 3 homozygotes.

Submissions (2):

Labcorp Genetics (formerly Invitae), Labcorp
Classification: Likely benign. Last evaluated: 2026-01-19. Review status: criteria provided, single submitter. Criteria: Invitae Variant Classification Sherloc (09022015). Collection method: clinical testing. Allele origin: germline.

PreventionGenetics, part of Exact Sciences
Classification: Likely benign for MYH7B-related condition. Last evaluated: 2024-08-19. Review status: no assertion criteria provided. Collection method: clinical testing. Allele origin: germline. Not counted in ClinVar's aggregate classification.
Comment: This variant is classified as likely benign based on ACMG/AMP sequence variant interpretation guidelines (Richards et al. 2015 PMID: 25741868, with internal and published modifications).

NM_020884.7(MYH7B):c.2619C>T (p.Ala873=)

Gene: MYH7B (myosin heavy chain 7B; plus strand). Cytogenetic location: 20q11.22.
Variant type: single nucleotide variant.
Coding change: c.2619C>T on transcript NM_020884.7 (MANE Select); coding-DNA position 2619, C replaced by T.
Protein change: p.Ala873=; no amino-acid change (alanine 873 retained).
Molecular consequence: synonymous variant.
Genome position (GRCh38, 1-based): chr20:34,994,320, C>T. VCF-style: chr20-34994320-C-T. GRCh37 (hg19) VCF-style: chr20-33582123-C-T.
Other names: c.2745C>T (NM_020884.4).
Identifiers: ClinVar variation 1662173 (VCV001662173.9), dbSNP rs201923299, ClinGen allele CA9827437.